The following is an entry in ClinVar:

NM_000051.4(ATM):c.8084G>T (p.Gly2695Val)

Genes: ATM (ATM serine/threonine kinase; plus strand), C11orf65 (chromosome 11 open reading frame 65; minus strand). Cytogenetic location: 11q22.3.
Variant type: single nucleotide variant.
Coding change: c.8084G>T on transcript NM_000051.4 (MANE Select); coding-DNA position 8084, G replaced by T.
Protein change: p.Gly2695Val; replaces glycine 2695 with valine.
Molecular consequence: missense variant. On other transcripts: intron variant (2).
Genome position (GRCh38, 1-based): chr11:108,335,042, G>T. VCF-style: chr11-108335042-G-T. GRCh37 (hg19) VCF-style: chr11-108205769-G-T.
Other names: c.8084G>T, p.Gly2695Val (NM_001351834.2); c.641-25971C>A (NM_001330368.2); c.*38+178C>A (NM_001351110.2); short protein forms G2695V.
Identifiers: ClinVar variation 827439 (VCV000827439.12), dbSNP rs1060501680, ClinGen allele CA382562038.

ClinVar aggregate classification (germline): Uncertain significance. Review status: criteria provided, multiple submitters, no conflicts (2 of 4 stars). 2 submissions from 2 submitters: Uncertain significance (2). Last evaluated 2025-01-12.

Conditions:
Hereditary cancer-predisposing syndrome. Also called: Tumor predisposition; Neoplastic Syndromes, Hereditary; Hereditary Cancer Syndrome; Hereditary neoplastic syndrome. Identifiers: Orphanet 140162, MedGen C0027672, MeSH D009386, MONDO:0015356.
Ataxia-telangiectasia syndrome (AT). Also called: ATAXIA-TELANGIECTASIA, COMPLEMENTATION GROUP A; ATAXIA-TELANGIECTASIA, FRESNO VARIANT; Ataxia-telangiectasia; Ataxia-telangiectasia, complementation group D; AT, COMPLEMENTATION GROUP C; Ataxia-telangiectasia, complementation group E. Identifiers: Orphanet 100, MedGen C0004135, MONDO:0008840, OMIM 208900.

Allele frequency attached by ClinVar (database versions not stated): gnomAD exomes below 0.00001.
gnomAD v4.1: 1 of 1,614,090 alleles (0.000062%); highest among the groups gnomAD compares: South Asian, 0.0011%; no homozygotes.

Submissions (2):

Labcorp Genetics (formerly Invitae), Labcorp
Classification: Uncertain significance for Ataxia-telangiectasia syndrome. Last evaluated: 2025-01-12. Review status: criteria provided, single submitter. Criteria: Invitae Variant Classification Sherloc (09022015). Collection method: clinical testing. Allele origin: germline.
Comment: This sequence change replaces glycine, which is neutral and non-polar, with valine, which is neutral and non-polar, at codon 2695 of the ATM protein (p.Gly2695Val). This variant is not present in population databases (gnomAD no frequency). This variant has not been reported in the literature in individuals affected with ATM-related conditions. ClinVar contains an entry for this variant (Variation ID: 827439). Invitae Evidence Modeling of protein sequence and biophysical properties (such as structural, functional, and spatial information, amino acid conservation, physicochemical variation, residue mobility, and thermodynamic stability) indicates that this missense variant is expected to disrupt ATM protein function with a positive predictive value of 95%. In summary, the available evidence is currently insufficient to determine the role of this variant in disease. Therefore, it has been classified as a Variant of Uncertain Significance.

Ambry Genetics
Classification: Uncertain significance for Hereditary cancer-predisposing syndrome. Last evaluated: 2023-12-15. Review status: criteria provided, single submitter. Criteria: Ambry Variant Classification Scheme 2023. Collection method: clinical testing. Allele origin: germline.
Comment: The p.G2695V variant (also known as c.8084G>T), located in coding exon 54 of the ATM gene, results from a G to T substitution at nucleotide position 8084. The glycine at codon 2695 is replaced by valine, an amino acid with dissimilar properties. This amino acid position is highly conserved in available vertebrate species. In addition, this alteration is predicted to be deleterious by in silico analysis. Since supporting evidence is limited at this time, the clinical significance of this alteration remains unclear.

Literature cited by the submitters: PubMed 30814645 (cited by Ambry Genetics).